The following is an entry in ClinVar:

ClinVar aggregate classification (germline): Likely benign. Review status: criteria provided, multiple submitters, no conflicts (2 of 4 stars). 2 submissions from 2 submitters: Likely benign (2). Last evaluated 2025-04-28.

Conditions:
Tuberous sclerosis 1 (TSC1). Identifiers: Orphanet 805, MedGen C1854465, MONDO:0008612, OMIM 191100.

Submissions (2):

Myriad Genetics, Inc.
Classification: Likely benign for Tuberous sclerosis 1. Last evaluated: 2025-04-28. Review status: criteria provided, single submitter. Criteria: Myriad Autosomal Dominant, Autosomal Recessive and X-Linked Classification Criteria (2023). Collection method: clinical testing. Allele origin: unknown.
Comment: This variant is considered likely benign. This variant is intronic and is not expected to impact mRNA splicing.

Labcorp Genetics (formerly Invitae), Labcorp
Classification: Likely benign for Tuberous sclerosis 1. Last evaluated: 2021-07-21. Review status: criteria provided, single submitter. Criteria: Invitae Variant Classification Sherloc (09022015). Collection method: clinical testing. Allele origin: germline.

NM_000368.5(TSC1):c.2625+9G>T

Gene: TSC1 (TSC complex subunit 1; minus strand). Cytogenetic location: 9q34.13.
Variant type: single nucleotide variant.
Coding change: c.2625+9G>T on transcript NM_000368.5 (MANE Select); 9 bases into the intron after coding-DNA position 2625, G replaced by T.
Molecular consequence: intron variant.
Genome position (GRCh38, 1-based): chr9:132,900,706, C>A on the plus strand (G>T on the coding strand, the complement: TSC1 is on the minus strand). VCF-style: chr9-132900706-C-A. GRCh37 (hg19) VCF-style: chr9-135776093-C-A.
Other names: c.2262+9G>T (NM_001362177.2); c.2472+9G>T (NM_001162427.2); c.2622+9G>T (NM_001162426.2).
Identifiers: ClinVar variation 1529499 (VCV001529499.9), dbSNP rs2131684014, ClinGen allele CA2573144197.